The following is an entry in ClinVar:

NM_001110556.2(FLNA):c.6324C>T (p.Pro2108=)

Gene: FLNA (filamin A; minus strand). Cytogenetic location: Xq28.
Variant type: single nucleotide variant.
Coding change: c.6324C>T on transcript NM_001110556.2 (MANE Select); coding-DNA position 6324, C replaced by T.
Protein change: p.Pro2108=; no amino-acid change (proline 2108 retained).
Molecular consequence: synonymous variant.
Genome position (GRCh38, 1-based): chrX:154,352,827, G>A on the plus strand (C>T on the coding strand, the complement: FLNA is on the minus strand). VCF-style: chrX-154352827-G-A. GRCh37 (hg19) VCF-style: chrX-153581195-G-A.
Other names: p.Pro2100=; c.6300C>T, p.Pro2100= (NM_001456.4).
Identifiers: ClinVar variation 264016 (VCV000264016.18), dbSNP rs782691221, ClinGen allele CA10560115.

ClinVar aggregate classification (germline): Likely benign. Review status: criteria provided, multiple submitters, no conflicts (2 of 4 stars). 5 submissions from 5 submitters: Likely benign (5). Last evaluated 2025-10-03.

Conditions:
Frontometaphyseal dysplasia (FMD1). Identifiers: Orphanet 1826, MedGen C0265293, MONDO:0015942.
Melnick-Needles syndrome (MNS). Also called: MELNICK-NEEDLES OSTEODYSPLASTY; Melnick-Needles Syndrome (FLNA-MNS); OSTEODYSPLASTY OF MELNICK AND NEEDLES. Identifiers: Orphanet 2484, MedGen C0025237, MONDO:0010650, OMIM 309350.
Oto-palato-digital syndrome, type II (OPD2). Also called: FACIOPALATOOSSEOUS SYNDROME; Otopalatodigital Syndrome Type 2 (FLNA-OPD2); Otopalatodigital Syndrome, Type II; OPD II SYNDROME. Identifiers: Orphanet 669, Orphanet 90652, MedGen C1844696, MONDO:0010571, OMIM 304120.
Heterotopia, periventricular, X-linked dominant (PVNH1). Also called: PERIVENTRICULAR NODULAR HETEROTOPIA 4; HETEROTOPIA, PERIVENTRICULAR, 1; X-linked periventricular heterotopia; PERIVENTRICULAR NODULAR HETEROTOPIA 1. Identifiers: Orphanet 2149, Orphanet 82004, MedGen C1848213, MONDO:0010233, OMIM 300049.
Familial thoracic aortic aneurysm and aortic dissection (TAAD). Also called: Thoracic aortic aneurysms and dissections. Identifiers: Orphanet 91387, MedGen C4707243, MONDO:0019625.

Allele frequency attached by ClinVar (database versions not stated): TOPMed 0.00002; ExAC 0.00003; gnomAD exomes 0.00003 and 0.00004; gnomAD 0.00005 and 0.00006.
gnomAD v4.1: 47 of 1,210,493 alleles (0.0039%); highest among the groups gnomAD compares: Non-Finnish European, 0.005%; no homozygotes.

Submissions (5):

Mayo Clinic Laboratories, Mayo Clinic
Classification: Likely benign. Last evaluated: 2025-10-03. Review status: criteria provided, single submitter. Criteria: ACMG Guidelines, 2015. Collection method: clinical testing. Allele origin: germline. Observed: 1 variant allele.
Comment: BP4, BP7

Labcorp Genetics (formerly Invitae), Labcorp
Classification: Likely benign for Oto-palato-digital syndrome, type II; Heterotopia, periventricular, X-linked dominant; Frontometaphyseal dysplasia; Melnick-Needles syndrome. Last evaluated: 2024-12-19. Review status: criteria provided, single submitter. Criteria: Invitae Variant Classification Sherloc (09022015). Collection method: clinical testing. Allele origin: germline.

Blueprint Genetics
Classification: Likely benign. Last evaluated: 2022-08-15. Review status: criteria provided, single submitter. Criteria: ACMG Guidelines, 2015. Collection method: clinical testing. Allele origin: germline.

GeneDx
Classification: Likely benign. Last evaluated: 2020-11-24. Review status: criteria provided, single submitter. Criteria: GeneDx Variant Classification Process June 2021. Collection method: clinical testing. Allele origin: germline. Affected: yes.

Ambry Genetics
Classification: Likely benign for Familial thoracic aortic aneurysm and aortic dissection. Last evaluated: 2015-05-20. Review status: criteria provided, single submitter. Criteria: Ambry Variant Classification Scheme 2023. Collection method: clinical testing. Allele origin: germline.